The following is an entry in ClinVar:

NM_003073.5(SMARCB1):c.363-18T>A

Gene: SMARCB1 (SWI/SNF related BAF chromatin remodeling complex subunit B1; plus strand). Cytogenetic location: 22q11.23.
Variant type: single nucleotide variant.
Coding change: c.363-18T>A on transcript NM_003073.5 (MANE Select); 18 bases into the intron before coding-DNA position 363, T replaced by A.
Molecular consequence: intron variant.
Genome position (GRCh38, 1-based): chr22:23,800,926, T>A. VCF-style: chr22-23800926-T-A. GRCh37 (hg19) VCF-style: chr22-24143113-T-A.
Other names: c.363-18T>A (NM_003073.4, NM_001362877.2); c.336-18T>A (NM_001317946.2, NM_001007468.3).
Identifiers: ClinVar variation 2054673 (VCV002054673.5), dbSNP rs1929103875, ClinGen allele CA2397965121.

ClinVar aggregate classification (germline): Likely benign. Review status: criteria provided, single submitter (1 of 4 stars). 2 submissions from 2 submitters: Likely benign (1). 1 of the submissions does not count toward it. Last evaluated 2022-06-30.

Conditions:
SMARCB1-related disorder. Also called: SMARCB1-related condition; SMARCB1-related disorders.

Allele frequency attached by ClinVar (database versions not stated): gnomAD 0.00001.
gnomAD v4.1: 1 of 1,607,640 alleles (0.000062%); highest among the groups gnomAD compares: African/African-American, 0.0013%; no homozygotes.

Submissions (2):

Labcorp Genetics (formerly Invitae), Labcorp
Classification: Likely benign. Last evaluated: 2022-06-30. Review status: criteria provided, single submitter. Criteria: Invitae Variant Classification Sherloc (09022015). Collection method: clinical testing. Allele origin: germline.

PreventionGenetics, part of Exact Sciences
Classification: Uncertain significance for SMARCB1-related condition. Last evaluated: 2024-07-27. Review status: no assertion criteria provided. Collection method: clinical testing. Allele origin: germline. Not counted in ClinVar's aggregate classification.
Comment: The SMARCB1 c.363-18T>A variant is predicted to interfere with splicing. To our knowledge, this variant has not been reported in the literature or in a large population database, indicating this variant is rare. However, the use of computer prediction programs is not equivalent to functional evidence, and therefore the clinical significance of this variant is uncertain.